The following is an entry in ClinVar:

ClinVar aggregate classification (germline): Pathogenic/Likely pathogenic. Review status: criteria provided, multiple submitters, no conflicts (2 of 4 stars). 9 submissions from 9 submitters: Pathogenic (6); Likely pathogenic (1). 2 of the submissions do not count toward it. Last evaluated 2026-01-19.

Conditions:
Retinal dystrophy. Also called: Inherited retinal dystrophy. Identifiers: Orphanet 71862, MedGen C0854723, MeSH D058499, MONDO:0019118, HP:0000556.
Retinitis pigmentosa (RP). Identifiers: Orphanet 791, MedGen C0035334, MeSH D012174, MONDO:0019200, OMIM 268000. Inheritance: Autosomal dominant, autosomal recessive and X linked inheritance.
EYS-related disorder. Also called: EYS-related condition.
Retinitis pigmentosa 25 (RP25). Identifiers: Orphanet 791, MedGen C1864446, MONDO:0011272, OMIM 602772.

Submissions (9):

Labcorp Genetics (formerly Invitae), Labcorp
Classification: Pathogenic. Last evaluated: 2026-01-19. Review status: criteria provided, single submitter. Criteria: Invitae Variant Classification Sherloc (09022015). Collection method: clinical testing. Allele origin: germline.
Comment: This sequence change creates a premature translational stop signal (p.Asn404Lysfs*3) in the EYS gene. It is expected to result in an absent or disrupted protein product. Loss-of-function variants in EYS are known to be pathogenic (PMID: 18836446, 20333770). This variant is present in population databases (rs764163418, gnomAD 0.01%). This premature translational stop signal has been observed in individual(s) with retinitis pigmentosa (PMID: 20375346). ClinVar contains an entry for this variant (Variation ID: 636023). For these reasons, this variant has been classified as Pathogenic.

Ophthalmology, Kobe City Eye Hospital
Classification: Pathogenic for Retinitis pigmentosa 25. Last evaluated: 2025-11-28. Review status: criteria provided, single submitter. Criteria: Fujinami et al. (Jpn J Ophthalmol. 2024). Collection method: research. Allele origin: germline. Affected: yes. Observed: 2 variant alleles.
Comment: This variant was classified according to the ACMG/AMP guidelines. PVS1_VeryStrong: This null variant is predicted to result in loss of normal protein function, and loss of function is an established disease mechanism for EYS-associated retinitis pigmentosa. PMIDs: 18836446, 20333770. PM2_Moderate: This variant is absent or extremely rare in large population databases such as gnomAD, consistent with a recessive disease mechanism. PM3_VeryStrong: This variant has been observed in confirmed trans configuration with a pathogenic EYS variant in an affected individual from our cohort, meeting the ClinGen criteria for upgrading PM3 to Very Strong. Based on PVS1_VeryStrong, PM2_Moderate, and PM3_VeryStrong, this variant is classified as pathogenic.

Natera, Inc.
Classification: Pathogenic for Retinitis pigmentosa type 25. Last evaluated: 2025-06-15. Review status: criteria provided, single submitter. Criteria: Natera Variant Classification Schema (03/2026). Collection method: clinical testing. Allele origin: germline.
Comment: The c.1211dupA variant in EYS is a frameshift variant predicted to shift the reading frame beginning at codon 404 and leads to a stop codon 3 codons downstream. This variant is expected to result in nonsense mediated decay, truncation, or a dysfunctional protein product. This variant is rare in the general population with a frequency below the threshold expected for the associated phenotype(s). This variant has been observed in one or more individuals affected with the associated recessive disease, as either homozygous or compound heterozygous with a second variant (PMID: 24938718). Given the available evidence, this variant is classified as Pathogenic.

Myriad Genetics, Inc.
Classification: Pathogenic for Retinitis pigmentosa 25. Last evaluated: 2024-05-14. Review status: criteria provided, single submitter. Criteria: Myriad Autosomal Dominant, Autosomal Recessive and X-Linked Classification Criteria (2023). Collection method: clinical testing. Allele origin: unknown.
Comment: NM_001142800.1(EYS):c.1211dupA(N404Kfs*3) is expected to be pathogenic in the context of retinitis pigmentosa, EYS-related. This variant is predicted to lead to an abnormal or absent protein product due to the creation of a premature termination codon in EYS, a gene where loss-of-function variants are known to be pathogenic. Please note: this variant was assessed in the context of healthy population screening.

Blueprint Genetics
Classification: Pathogenic for EYS-related disorders. Last evaluated: 2023-10-11. Review status: criteria provided, single submitter. Criteria: ACMG Guidelines, 2015. Collection method: clinical testing. Allele origin: germline. Affected: yes. Observed: 5 variant alleles.

Dept Of Ophthalmology, Nagoya University
Classification: Pathogenic for Retinal dystrophy. Last evaluated: 2023-10-01. Review status: criteria provided, single submitter. Criteria: Submitter's publication. Collection method: research. Allele origin: germline. Affected: yes.

Revvity Omics, Revvity
Classification: Likely pathogenic for Retinitis pigmentosa 25. Last evaluated: 2021-09-17. Review status: criteria provided, single submitter. Criteria: ACMG Guidelines, 2015. Collection method: clinical testing. Allele origin: germline.

Sharon lab, Hadassah-Hebrew University Medical Center
Classification: Pathogenic for Retinitis pigmentosa. Last evaluated: 2019-06-23. Review status: no assertion criteria provided. Collection method: research. Allele origin: inherited. Affected: yes. Not counted in ClinVar's aggregate classification.

Department of Clinical Genetics, Copenhagen University Hospital, Rigshospitalet
Classification: Likely pathogenic for Retinitis pigmentosa. Last evaluated: 2018-04-01. Review status: no assertion criteria provided. Collection method: research. Allele origin: unknown. Affected: yes. Study: VeluxRD. Not counted in ClinVar's aggregate classification.

Literature cited by the submitters: PubMed 18836446 (cited by Labcorp Genetics (formerly Invitae), Labcorp); PubMed 20333770 (cited by Labcorp Genetics (formerly Invitae), Labcorp); PubMed 20375346 (cited by Labcorp Genetics (formerly Invitae), Labcorp); 18836446, 20333770 (cited by Ophthalmology, Kobe City Eye Hospital); PubMed 24938718 (cited by Natera, Inc.); PubMed 30718709 (cited by Department of Clinical Genetics, Copenhagen University Hospital, Rigshospitalet).

NM_001142800.2(EYS):c.1211dup (p.Asn404fs)

Gene: EYS (EGF-like photoreceptor maintenance factor; minus strand). Cytogenetic location: 6q12.
Variant type: Duplication.
Coding change: c.1211dup on transcript NM_001142800.2 (MANE Select); coding-DNA position 1211, one base duplicated (A; older notation c.1211dupA).
Protein change: p.Asn404fs; shifts the reading frame from asparagine 404.
Molecular consequence: frameshift variant.
Genome position (GRCh38, 1-based): chr6:65,384,474, T duplicated on the plus strand (A on the coding strand, the reverse complement: EYS is on the minus strand); the first of 7 consecutive T bases (chr6:65,384,474-65,384,480); duplicating any one gives the same sequence. VCF-style (leftmost placement, unchanged base first): chr6-65384473-G-GT. GRCh37 (hg19) VCF-style: chr6-66094366-G-GT.
Other names: c.1211dupA (NM_001142800.1, NM_001142800.2); c.1211_1212insA (NM_001292009.1); c.1211dup, p.Asn404fs (NM_001142801.2, NM_001292009.2, NM_198283.2); short protein forms N404fs.
Identifiers: ClinVar variation 636023 (VCV000636023.25), dbSNP rs764163418, ClinGen allele CA3877819.